The following is an entry in ClinVar:

ClinVar aggregate classification (germline): Likely benign (1 of 4 stars; one submission).

Allele frequency attached by ClinVar (database versions not stated): gnomAD 0.00001; gnomAD exomes 0.00003; TOPMed 0.00003; ExAC 0.00005; ESP Exome Variant Server 0.00008.
gnomAD v4.1: 43 of 1,612,940 alleles (0.0027%); highest among the groups gnomAD compares: Admixed American, 0.018%; no homozygotes.

Submission:

CeGaT Center for Human Genetics Tuebingen
Classification: Likely benign. Last evaluated: 2024-03-01. Review status: criteria provided, single submitter. Criteria: CeGaT Center For Human Genetics Tuebingen Variant Classification Criteria Version 2. Collection method: clinical testing. Allele origin: germline. Affected: yes. Observed: 1 variant allele.
Comment: SETDB1: BP4

NM_001366418.1(SETDB1):c.427A>C (p.Arg143=)

Gene: SETDB1 (SET domain bifurcated histone lysine methyltransferase 1; plus strand). Cytogenetic location: 1q21.3.
Variant type: single nucleotide variant.
Coding change: c.427A>C on transcript NM_001366418.1 (MANE Select); coding-DNA position 427, A replaced by C.
Protein change: p.Arg143=; no amino-acid change (arginine 143 retained).
Molecular consequence: synonymous variant. On other transcripts: non-coding transcript variant (1).
Genome position (GRCh38, 1-based): chr1:150,939,954, A>C. VCF-style: chr1-150939954-A-C. GRCh37 (hg19) VCF-style: chr1-150912430-A-C.
Other names: c.427A>C, p.Arg143= (NM_001145415.2, NM_001243491.2, NM_001366417.1 and 10 more transcripts).
Identifiers: ClinVar variation 3067530 (VCV003067530.21), dbSNP rs200945323, ClinGen allele CA1081530.